The following is an entry in ClinVar:

NM_004958.4(MTOR):c.3583G>A (p.Val1195Met)

Gene: MTOR (mechanistic target of rapamycin kinase; minus strand). Cytogenetic location: 1p36.22.
Variant type: single nucleotide variant.
Coding change: c.3583G>A on transcript NM_004958.4 (MANE Select); coding-DNA position 3583, G replaced by A.
Protein change: p.Val1195Met; replaces valine 1195 with methionine.
Molecular consequence: missense variant.
Genome position (GRCh38, 1-based): chr1:11,210,885, C>T on the plus strand (G>A on the coding strand, the complement: MTOR is on the minus strand). VCF-style: chr1-11210885-C-T. GRCh37 (hg19) VCF-style: chr1-11270942-C-T.
Other names: c.3583G>A, p.Val1195Met (NM_001386500.1); c.2335G>A, p.Val779Met (NM_001386501.1); short protein forms V1195M, V779M.
Identifiers: ClinVar variation 4755712 (VCV004755712.1).

ClinVar aggregate classification (germline): Uncertain significance (1 of 4 stars; one submission).

Submission:

GeneDx
Classification: Uncertain significance. Last evaluated: 2025-07-29. Review status: criteria provided, single submitter. Criteria: GeneDx Variant Classification Process June 2021. Collection method: clinical testing. Allele origin: germline. Affected: yes.
Comment: Not observed at significant frequency in large population cohorts (gnomAD); In silico analysis supports that this missense variant has a deleterious effect on protein structure/function; Has not been previously published as pathogenic or benign to our knowledge